The following is an entry in ClinVar:

NM_015046.7(SETX):c.617A>C (p.Glu206Ala)

Gene: SETX (senataxin; minus strand). Cytogenetic location: 9q34.13.
Variant type: single nucleotide variant.
Coding change: c.617A>C on transcript NM_015046.7 (MANE Select); coding-DNA position 617, A replaced by C.
Protein change: p.Glu206Ala; replaces glutamic acid 206 with alanine.
Molecular consequence: missense variant.
Genome position (GRCh38, 1-based): chr9:132,336,397, T>G on the plus strand (A>C on the coding strand, the complement: SETX is on the minus strand). VCF-style: chr9-132336397-T-G. GRCh37 (hg19) VCF-style: chr9-135211784-T-G.
Other names: c.617A>C, p.Glu206Ala (NM_001351527.2, NM_001351528.2); short protein forms E206A.
Identifiers: ClinVar variation 1390461 (VCV001390461.6), dbSNP rs759880306, ClinGen allele CA375349570.
Genomic context (GRCh38, chr9:132,336,397, plus strand): 5'-GAGGGCAGAAGAATCAGTTTACCCTTCTCTAGGACAGAAGAAGTATAAATGTCTGGACTC[T>G]CTAAAAGCCCCAACTCAATGACTTTAAAAAGGCAAAGTAAAACTTCTTGTAAGTCATAAT-3'
Protein context (NP_055861.3, residues 196-216): LFKVIELGLL[Glu206Ala]SPDIYTSSVL

ClinVar aggregate classification (germline): Uncertain significance (1 of 4 stars; one submission).

Conditions:
Spinocerebellar ataxia, autosomal recessive, with axonal neuropathy 2 (SCAN2). Also called: ATAXIA-OCULOMOTOR APRAXIA 2; Ataxia with Oculomotor Apraxia; Ataxia-ocular apraxia-2; Ataxia with Oculomotor Apraxia Type 2. Identifiers: Orphanet 64753, MedGen C1853761, MONDO:0018996, OMIM 606002.
Amyotrophic lateral sclerosis type 4 (ALS4). Also called: AMYOTROPHIC LATERAL SCLEROSIS 4, JUVENILE; NEURONOPATHY, DISTAL HEREDITARY MOTOR, WITH PYRAMIDAL FEATURES. Identifiers: Orphanet 357043, MedGen C1865409, MONDO:0011223, OMIM 602433.

Submission:

Labcorp Genetics (formerly Invitae), Labcorp
Classification: Uncertain significance for Amyotrophic lateral sclerosis type 4; Spinocerebellar ataxia, autosomal recessive, with axonal neuropathy 2. Last evaluated: 2021-11-26. Review status: criteria provided, single submitter. Criteria: Invitae Variant Classification Sherloc (09022015). Collection method: clinical testing. Allele origin: germline.
Comment: This variant has not been reported in the literature in individuals affected with SETX-related conditions. This variant is not present in population databases (gnomAD no frequency). This sequence change replaces glutamic acid, which is acidic and polar, with alanine, which is neutral and non-polar, at codon 206 of the SETX protein (p.Glu206Ala). Advanced modeling of protein sequence and biophysical properties (such as structural, functional, and spatial information, amino acid conservation, physicochemical variation, residue mobility, and thermodynamic stability) performed at Invitae indicates that this missense variant is expected to disrupt SETX protein function. In summary, the available evidence is currently insufficient to determine the role of this variant in disease. Therefore, it has been classified as a Variant of Uncertain Significance.